The following is an entry in ClinVar:

ClinVar aggregate classification (germline): Uncertain significance (1 of 4 stars; one submission).

gnomAD v4.1: 4 of 1,614,056 alleles (0.00025%); highest among the groups gnomAD compares: African/African-American, 0.0053%; no homozygotes.

Submission:

Labcorp Genetics (formerly Invitae), Labcorp
Classification: Uncertain significance. Last evaluated: 2022-04-11. Review status: criteria provided, single submitter. Criteria: Invitae Variant Classification Sherloc (09022015). Collection method: clinical testing. Allele origin: germline.
Comment: In summary, the available evidence is currently insufficient to determine the role of this variant in disease. Therefore, it has been classified as a Variant of Uncertain Significance. Algorithms developed to predict the effect of missense changes on protein structure and function are either unavailable or do not agree on the potential impact of this missense change (SIFT: "Tolerated"; PolyPhen-2: "Possibly Damaging"; Align-GVGD: "Class C0"). This variant has not been reported in the literature in individuals affected with PLXNA2-related conditions. This variant is present in population databases (no rsID available, gnomAD 0.007%). This sequence change replaces arginine, which is basic and polar, with proline, which is neutral and non-polar, at codon 174 of the PLXNA2 protein (p.Arg174Pro).

NM_025179.4(PLXNA2):c.521G>C (p.Arg174Pro)

Gene: PLXNA2 (plexin A2; minus strand). Cytogenetic location: 1q32.2.
Variant type: single nucleotide variant.
Coding change: c.521G>C on transcript NM_025179.4 (MANE Select); coding-DNA position 521, G replaced by C.
Protein change: p.Arg174Pro; replaces arginine 174 with proline.
Molecular consequence: missense variant.
Genome position (GRCh38, 1-based): chr1:208,217,402, C>G on the plus strand (G>C on the coding strand, the complement: PLXNA2 is on the minus strand). VCF-style: chr1-208217402-C-G. GRCh37 (hg19) VCF-style: chr1-208390747-C-G.
Other names: short protein forms R174P.
Identifiers: ClinVar variation 2124701 (VCV002124701.4), dbSNP rs146682244, ClinGen allele CA344559440.